The following is an entry in ClinVar:

ClinVar aggregate classification (germline): Uncertain significance (1 of 4 stars; one submission).

Conditions:
Hajdu-Cheney syndrome (HJCYS). Also called: Acroosteolysis dominant type; ACROOSTEOLYSIS WITH OSTEOPOROSIS AND CHANGES IN SKULL AND MANDIBLE; SERPENTINE FIBULA-POLYCYSTIC KIDNEY SYNDROME. Identifiers: Orphanet 955, MedGen C0917715, MONDO:0007057, OMIM 102500.

Submission:

Labcorp Genetics (formerly Invitae), Labcorp
Classification: Uncertain significance for Hajdu-Cheney syndrome. Last evaluated: 2025-07-23. Review status: criteria provided, single submitter. Criteria: Invitae Variant Classification Sherloc (09022015). Collection method: clinical testing. Allele origin: germline.
Comment: This sequence change replaces isoleucine, which is neutral and non-polar, with serine, which is neutral and polar, at codon 475 of the NOTCH2 protein (p.Ile475Ser). This variant is not present in population databases (gnomAD no frequency). This variant has not been reported in the literature in individuals affected with NOTCH2-related conditions. An algorithm developed to predict the effect of missense changes on protein structure and function (PolyPhen-2) suggests that this variant is likely to be disruptive. In summary, the available evidence is currently insufficient to determine the role of this variant in disease. Therefore, it has been classified as a Variant of Uncertain Significance.

NM_024408.4(NOTCH2):c.1424T>G (p.Ile475Ser)

Gene: NOTCH2 (notch receptor 2; minus strand). Cytogenetic location: 1p12.
Variant type: single nucleotide variant.
Coding change: c.1424T>G on transcript NM_024408.4 (MANE Select); coding-DNA position 1424, T replaced by G.
Protein change: p.Ile475Ser; replaces isoleucine 475 with serine.
Molecular consequence: missense variant.
Genome position (GRCh38, 1-based): chr1:119,967,462, A>C on the plus strand (T>G on the coding strand, the complement: NOTCH2 is on the minus strand). VCF-style: chr1-119967462-A-C. GRCh37 (hg19) VCF-style: chr1-120510085-A-C.
Other names: c.1424T>G, p.Ile475Ser (NM_001200001.2); short protein forms I475S.
Identifiers: ClinVar variation 4723898 (VCV004723898.1).